The following is an entry in ClinVar:

ClinVar aggregate classification (germline): Uncertain significance (1 of 4 stars; one submission).

Submission:

Labcorp Genetics (formerly Invitae), Labcorp
Classification: Uncertain significance. Last evaluated: 2023-12-19. Review status: criteria provided, single submitter. Criteria: Invitae Variant Classification Sherloc (09022015). Collection method: clinical testing. Allele origin: germline.
Comment: This variant, c.1534_1536del, results in the deletion of 1 amino acid(s) of the CNGA3 protein (p.Lys512del), but otherwise preserves the integrity of the reading frame. This variant is not present in population databases (gnomAD no frequency). This variant has not been reported in the literature in individuals affected with CNGA3-related conditions. In summary, the available evidence is currently insufficient to determine the role of this variant in disease. Therefore, it has been classified as a Variant of Uncertain Significance.

NM_001298.3(CNGA3):c.1531AAG[1] (p.Lys512del)

Gene: CNGA3 (cyclic nucleotide gated channel subunit alpha 3; plus strand). Cytogenetic location: 2q11.2.
Variant type: Microsatellite.
Coding change: c.1531AAG[1] on transcript NM_001298.3 (MANE Select); one copy of the 3-base unit AAG starting at c.1531; the reference has two copies in a row; one copy, 3 bases deleted.
Protein change: p.Lys512del; deletes lysine 512.
Molecular consequence: inframe deletion.
Genome position (GRCh38, 1-based): chr2:98,396,704-98,396,706, AAG deleted; deleting any 3 consecutive bases within chr2:98,396,701-98,396,706 gives the same sequence; the position shown is the placement nearest the transcript's 3' end. VCF-style (leftmost placement, unchanged base first): chr2-98396700-CAAG-C. GRCh37 (hg19) VCF-style: chr2-99013163-CAAG-C.
Other names: c.1477AAG[1], p.Lys494del (NM_001079878.2); short protein forms K494del, K512del.
Identifiers: ClinVar variation 2704046 (VCV002704046.3), dbSNP rs2467031424, ClinGen allele CA2697550995.